The following is an entry in ClinVar:

ClinVar aggregate classification (germline): Uncertain significance. Review status: criteria provided, multiple submitters, no conflicts (2 of 4 stars). 5 submissions from 5 submitters: Uncertain significance (5). Last evaluated 2025-06-07.

Conditions:
Hereditary cancer-predisposing syndrome. Also called: Hereditary Cancer Syndrome; Neoplastic Syndromes, Hereditary; Tumor predisposition; Hereditary neoplastic syndrome. Identifiers: Orphanet 140162, MedGen C0027672, MeSH D009386, MONDO:0015356.
Isolated focal cortical dysplasia type II (FCORD2). Also called: CORTICAL DYSPLASIA OF TAYLOR; Focal cortical dysplasia type II. Identifiers: Orphanet 268994, MedGen C1846385, MONDO:0011818, OMIM 607341, HP:0032051.
Lymphangiomyomatosis (LAM). Also called: Lymphangioleiomyomatosis, somatic; Lymphangioleiomyomatosis. Identifiers: Orphanet 538, MedGen C0751674, MONDO:0011705, OMIM 606690.
Tuberous sclerosis 2 (TSC2). Identifiers: Orphanet 805, MedGen C1860707, MONDO:0013199, OMIM 613254.

Submissions (5):

Labcorp Genetics (formerly Invitae), Labcorp
Classification: Uncertain significance for Tuberous sclerosis 2. Last evaluated: 2025-06-07. Review status: criteria provided, single submitter. Criteria: Invitae Variant Classification Sherloc (09022015). Collection method: clinical testing. Allele origin: germline.
Comment: This sequence change replaces isoleucine, which is neutral and non-polar, with serine, which is neutral and polar, at codon 1735 of the TSC2 protein (p.Ile1735Ser). This variant is not present in population databases (gnomAD no frequency). This variant has not been reported in the literature in individuals affected with TSC2-related conditions. ClinVar contains an entry for this variant (Variation ID: 187484). Invitae Evidence Modeling of protein sequence and biophysical properties (such as structural, functional, and spatial information, amino acid conservation, physicochemical variation, residue mobility, and thermodynamic stability) indicates that this missense variant is not expected to disrupt TSC2 protein function with a negative predictive value of 95%. In summary, the available evidence is currently insufficient to determine the role of this variant in disease. Therefore, it has been classified as a Variant of Uncertain Significance.

Ambry Genetics
Classification: Uncertain significance for Hereditary cancer-predisposing syndrome. Last evaluated: 2025-04-02. Review status: criteria provided, single submitter. Criteria: Ambry Variant Classification Scheme 2023. Collection method: clinical testing. Allele origin: germline.
Comment: The p.I1735S variant (also known as c.5204T>G), located in coding exon 40 of the TSC2 gene, results from a T to G substitution at nucleotide position 5204. The isoleucine at codon 1735 is replaced by serine, an amino acid with dissimilar properties. This amino acid position is not well conserved in available vertebrate species. In addition, the in silico prediction for this alteration is inconclusive. Based on the available evidence, the clinical significance of this variant remains unclear.

GeneDx
Classification: Uncertain significance. Last evaluated: 2024-02-21. Review status: criteria provided, single submitter. Criteria: GeneDx Variant Classification Process June 2021. Collection method: clinical testing. Allele origin: germline. Affected: yes.
Comment: Not observed at significant frequency in large population cohorts (gnomAD); In silico analysis supports that this missense variant does not alter protein structure/function; Has not been previously published as pathogenic or benign to our knowledge

Genome-Nilou Lab
Classification: Uncertain significance for Tuberous sclerosis 2. Last evaluated: 2021-11-07. Review status: criteria provided, single submitter. Criteria: ACMG Guidelines, 2015. Collection method: clinical testing. Allele origin: germline. Affected: no.

Fulgent Genetics
Classification: Uncertain significance for Lymphangiomyomatosis; Isolated focal cortical dysplasia type II; Tuberous sclerosis 2. Last evaluated: 2021-08-12. Review status: criteria provided, single submitter. Criteria: ACMG Guidelines, 2015. Collection method: clinical testing. Allele origin: unknown.

NM_000548.5(TSC2):c.5204T>G (p.Ile1735Ser)

Gene: TSC2 (TSC complex subunit 2; plus strand). Cytogenetic location: 16p13.3.
Variant type: single nucleotide variant.
Coding change: c.5204T>G on transcript NM_000548.5 (MANE Select); coding-DNA position 5204, T replaced by G.
Protein change: p.Ile1735Ser; replaces isoleucine 1735 with serine.
Molecular consequence: missense variant.
Genome position (GRCh38, 1-based): chr16:2,088,270, T>G. VCF-style: chr16-2088270-T-G. GRCh37 (hg19) VCF-style: chr16-2138271-T-G.
Other names: c.5003T>G, p.Ile1668Ser (NM_001077183.3); c.5135T>G, p.Ile1712Ser (NM_001114382.3); c.4895T>G, p.Ile1632Ser (NM_001318827.2); c.4859T>G, p.Ile1620Ser (NM_001318829.2); c.4472T>G, p.Ile1491Ser (NM_001318831.2); c.5036T>G, p.Ile1679Ser (NM_001318832.2); c.5006T>G, p.Ile1669Ser (NM_001363528.2); c.5072T>G, p.Ile1691Ser (NM_001370404.1); and 2 more; short protein forms I1735S, I1491S, I1620S, I1669S, I1688S, I1691S, I1692S, I1679S.
Identifiers: ClinVar variation 187484 (VCV000187484.19), dbSNP rs786203769, ClinGen allele CA022137.